The following is an entry in ClinVar:

NM_000179.3(MSH6):c.3990A>G (p.Leu1330=)

Gene: MSH6 (mutS homolog 6; plus strand). Cytogenetic location: 2p16.3.
Variant type: single nucleotide variant.
Coding change: c.3990A>G on transcript NM_000179.3 (MANE Select); coding-DNA position 3990, A replaced by G.
Protein change: p.Leu1330=; no amino-acid change (leucine 1330 retained).
Molecular consequence: synonymous variant.
Genome position (GRCh38, 1-based): chr2:47,806,640, A>G. VCF-style: chr2-47806640-A-G. GRCh37 (hg19) VCF-style: chr2-48033779-A-G.
Other names: c.3600A>G, p.Leu1200= (NM_001281492.2); c.3084A>G, p.Leu1028= (NM_001281493.2, NM_001281494.2).
Identifiers: ClinVar variation 619701 (VCV000619701.15), dbSNP rs1558394684, ClinGen allele CA426122220.
Genomic context (GRCh38, chr2:47,806,640, plus strand): 5'-GGAAGTTATTCAAAAGGGACATAGAAAAGCAAGAGAATTTGAGAAGATGAATCAGTCACT[A>G]CGATTATTTCGGTAACTAACTAACTATAATGGAATTATAACTAACTGACCTTAAGTTTCA-3'
Protein context (NP_000170.1, residues 1320-1340): AREFEKMNQS[Leu1330=]RLFREVCLAS

ClinVar aggregate classification (germline): Conflicting classifications of pathogenicity. Review status: criteria provided, conflicting classifications (1 of 4 stars). 5 submissions from 5 submitters: Uncertain significance (1); Benign (1); Likely benign (3). Last evaluated 2025-01-08.

Conditions:
Hereditary nonpolyposis colorectal neoplasms. Identifiers: MedGen C0009405, MeSH D003123.
Hereditary cancer-predisposing syndrome. Also called: Neoplastic Syndromes, Hereditary; Hereditary neoplastic syndrome; Tumor predisposition; Hereditary Cancer Syndrome. Identifiers: Orphanet 140162, MedGen C0027672, MeSH D009386, MONDO:0015356.
Lynch syndrome 5 (LYNCH5). Also called: Colorectal cancer, hereditary nonpolyposis, type 5; Hereditary non-polyposis colorectal cancer, type 5. Identifiers: Orphanet 144, MedGen C1833477, MONDO:0013710, OMIM 614350. Disease mechanism: loss of function.

gnomAD v4.1: 1 of 1,610,262 alleles (0.000062%); no homozygotes.

Submissions (5):

Myriad Genetics, Inc.
Classification: Benign for Lynch syndrome 5. Last evaluated: 2025-01-08. Review status: criteria provided, single submitter. Criteria: Myriad Autosomal Dominant, Autosomal Recessive and X-Linked Classification Criteria (2023). Collection method: clinical testing. Allele origin: unknown.
Comment: This variant is considered benign. This variant is a silent/synonymous amino acid change and it is not expected to impact splicing.

Ambry Genetics
Classification: Likely benign for Hereditary cancer-predisposing syndrome. Last evaluated: 2023-02-14. Review status: criteria provided, single submitter. Criteria: Ambry Variant Classification Scheme 2023. Collection method: clinical testing. Allele origin: germline.

Labcorp Genetics (formerly Invitae), Labcorp
Classification: Likely benign for Hereditary nonpolyposis colorectal neoplasms. Last evaluated: 2022-07-25. Review status: criteria provided, single submitter. Criteria: Invitae Variant Classification Sherloc (09022015). Collection method: clinical testing. Allele origin: germline.

Women's Health and Genetics/Laboratory Corporation of America, LabCorp
Classification: Likely benign. Last evaluated: 2022-03-11. Review status: criteria provided, single submitter. Criteria: LabCorp Variant Classification Summary - May 2015. Collection method: clinical testing. Allele origin: germline.

Quest Diagnostics Nichols Institute San Juan Capistrano
Classification: Uncertain significance. Last evaluated: 2018-08-03. Review status: criteria provided, single submitter. Criteria: Quest Diagnostics criteria. Collection method: clinical testing. Allele origin: germline.